The following is an entry in ClinVar:

NM_001854.4(COL11A1):c.2614G>C (p.Val872Leu)

Gene: COL11A1 (collagen type XI alpha 1 chain; minus strand). Cytogenetic location: 1p21.1.
Variant type: single nucleotide variant.
Coding change: c.2614G>C on transcript NM_001854.4 (MANE Select); coding-DNA position 2614, G replaced by C.
Protein change: p.Val872Leu; replaces valine 872 with leucine.
Molecular consequence: missense variant. On other transcripts: non-coding transcript variant (1).
Genome position (GRCh38, 1-based): chr1:102,979,101, C>G on the plus strand (G>C on the coding strand, the complement: COL11A1 is on the minus strand). VCF-style: chr1-102979101-C-G. GRCh37 (hg19) VCF-style: chr1-103444657-C-G.
Other names: c.2497G>C, p.Val833Leu (NM_001190709.2); c.2650G>C, p.Val884Leu (NM_080629.3); c.2266G>C, p.Val756Leu (NM_080630.4); short protein forms V872L, V833L, V756L, V884L.
Identifiers: ClinVar variation 3653539 (VCV003653539.2).

ClinVar aggregate classification (germline): Uncertain significance (1 of 4 stars; one submission).

gnomAD v4.1: 2 of 1,614,088 alleles (0.00012%); highest among the groups gnomAD compares: Non-Finnish European, 0.00017%; no homozygotes.

Submission:

Labcorp Genetics (formerly Invitae), Labcorp
Classification: Uncertain significance. Last evaluated: 2024-05-15. Review status: criteria provided, single submitter. Criteria: Invitae Variant Classification Sherloc (09022015). Collection method: clinical testing. Allele origin: germline.
Comment: This sequence change replaces valine, which is neutral and non-polar, with leucine, which is neutral and non-polar, at codon 872 of the COL11A1 protein (p.Val872Leu). This variant is not present in population databases (gnomAD no frequency). This variant has not been reported in the literature in individuals affected with COL11A1-related conditions. Advanced modeling of protein sequence and biophysical properties (such as structural, functional, and spatial information, amino acid conservation, physicochemical variation, residue mobility, and thermodynamic stability) performed at Invitae indicates that this missense variant is not expected to disrupt COL11A1 protein function with a negative predictive value of 95%. In summary, the available evidence is currently insufficient to determine the role of this variant in disease. Therefore, it has been classified as a Variant of Uncertain Significance.